The following is an entry in ClinVar:

NM_032977.4(CASP10):c.335T>C (p.Val112Ala)

Gene: CASP10 (caspase 10; plus strand). Cytogenetic location: 2q33.1.
Variant type: single nucleotide variant.
Coding change: c.335T>C on transcript NM_032977.4 (MANE Select); coding-DNA position 335, T replaced by C.
Protein change: p.Val112Ala; replaces valine 112 with alanine.
Molecular consequence: missense variant.
Genome position (GRCh38, 1-based): chr2:201,186,112, T>C. VCF-style: chr2-201186112-T-C. GRCh37 (hg19) VCF-style: chr2-202050835-T-C.
Other names: c.335T>C, p.Val112Ala (NM_001206524.2, NM_001206542.2, NM_001230.5 and 3 more transcripts); short protein forms V112A.
Identifiers: ClinVar variation 1386864 (VCV001386864.28), dbSNP rs770155279, ClinGen allele CA2052819.
Genomic context (GRCh38, chr2:201,186,112, plus strand): 5'-TGCAGCACCTCAACTGTACCAAAGAGGAAGTGGAGCGACTGCTGCCCACCCGACAAAGGG[T>C]TTCTCTGTTTAGGTGAGGACGGGTCTGTGGTGGAGATGGGAGGATCTCCCATCTAGTGTT-3'
Protein context (NP_116759.2, residues 102-122): VERLLPTRQR[Val112Ala]SLFRNLLYEL

ClinVar aggregate classification (germline): Uncertain significance. Review status: criteria provided, multiple submitters, no conflicts (2 of 4 stars). 2 submissions from 2 submitters: Uncertain significance (2). Last evaluated 2024-01-01.

Conditions:
Autoimmune lymphoproliferative syndrome type 2A (ALPS2A). Also called: AUTOIMMUNE LYMPHOPROLIFERATIVE SYNDROME, TYPE IIA; Autoimmune lymphoproliferative syndrome type 2; CASP10-Related Autoimmune Lymphoproliferative Syndrome. Identifiers: Orphanet 3261, MedGen C1858968, MONDO:0011383, OMIM 603909.

Allele frequency attached by ClinVar (database versions not stated): gnomAD 0.00001 and 0.00003; gnomAD exomes 0.00001; TOPMed 0.00001; ExAC 0.00003.
gnomAD v4.1: 12 of 1,611,488 alleles (0.00074%); highest among the groups gnomAD compares: East Asian, 0.0022%; no homozygotes.

Submissions (2):

CeGaT Center for Human Genetics Tuebingen
Classification: Uncertain significance. Last evaluated: 2024-01-01. Review status: criteria provided, single submitter. Criteria: CeGaT Center For Human Genetics Tuebingen Variant Classification Criteria Version 2. Collection method: clinical testing. Allele origin: germline. Affected: yes. Observed: 1 variant allele.

Labcorp Genetics (formerly Invitae), Labcorp
Classification: Uncertain significance for Autoimmune lymphoproliferative syndrome type 2A. Last evaluated: 2023-08-04. Review status: criteria provided, single submitter. Criteria: Invitae Variant Classification Sherloc (09022015). Collection method: clinical testing. Allele origin: germline.
Comment: This sequence change replaces valine, which is neutral and non-polar, with alanine, which is neutral and non-polar, at codon 112 of the CASP10 protein (p.Val112Ala). This variant is present in population databases (rs770155279, gnomAD 0.004%). This variant has not been reported in the literature in individuals affected with CASP10-related conditions. ClinVar contains an entry for this variant (Variation ID: 1386864). Advanced modeling of protein sequence and biophysical properties (such as structural, functional, and spatial information, amino acid conservation, physicochemical variation, residue mobility, and thermodynamic stability) has been performed at Invitae for this missense variant, however the output from this modeling did not meet the statistical confidence thresholds required to predict the impact of this variant on CASP10 protein function. In summary, the available evidence is currently insufficient to determine the role of this variant in disease. Therefore, it has been classified as a Variant of Uncertain Significance.